The following is an entry in ClinVar:

ClinVar aggregate classification (germline): Uncertain significance (1 of 4 stars; one submission).

Allele frequency attached by ClinVar (database versions not stated): gnomAD exomes below 0.00001.

Submission:

Labcorp Genetics (formerly Invitae), Labcorp
Classification: Uncertain significance. Last evaluated: 2022-09-08. Review status: criteria provided, single submitter. Criteria: Invitae Variant Classification Sherloc (09022015). Collection method: clinical testing. Allele origin: germline.
Comment: Experimental studies and prediction algorithms are not available or were not evaluated, and the functional significance of this variant is currently unknown. ClinVar contains an entry for this variant (Variation ID: 1470915). This variant has not been reported in the literature in individuals affected with XRCC2-related conditions. This variant is not present in population databases (gnomAD no frequency). This sequence change creates a premature translational stop signal (p.Ser152*) in the XRCC2 gene. While this is not anticipated to result in nonsense mediated decay, it is expected to disrupt the last 129 amino acid(s) of the XRCC2 protein. In summary, the available evidence is currently insufficient to determine the role of this variant in disease. Therefore, it has been classified as a Variant of Uncertain Significance.

NM_005431.2(XRCC2):c.455del (p.Leu151_Ser152insTer)

Gene: XRCC2 (X-ray repair cross complementing 2; minus strand). Cytogenetic location: 7q36.1.
Variant type: Deletion.
Coding change: c.455del on transcript NM_005431.2 (MANE Select); coding-DNA position 455, one base deleted (C; older notation c.455delC).
Protein change: p.Leu151_Ser152insTer.
Molecular consequence: nonsense.
Genome position (GRCh38, 1-based): chr7:152,649,030, G deleted on the plus strand (C on the coding strand, the reverse complement: XRCC2 is on the minus strand). VCF-style (leftmost placement, unchanged base first): chr7-152649029-TG-T. GRCh37 (hg19) VCF-style: chr7-152346114-TG-T.
Identifiers: ClinVar variation 1470915 (VCV001470915.6), dbSNP rs2116987825, ClinGen allele CA2573141905.